The following is an entry in ClinVar:

ClinVar aggregate classification (germline): Benign. Review status: criteria provided, multiple submitters, no conflicts (2 of 4 stars). 2 submissions from 2 submitters: Benign (2). Last evaluated 2018-06-19.

Allele frequency attached by ClinVar (database versions not stated): 1000 Genomes Project 30x 0.00853; 1000 Genomes Project 0.00874; TOPMed 0.01431; gnomAD 0.01760 and 0.01780.

Submissions (2):

GeneDx
Classification: Benign. Last evaluated: 2018-06-19. Review status: criteria provided, single submitter. Criteria: GeneDx Variant Classification (06012015). Collection method: clinical testing. Allele origin: germline. Affected: yes.
Comment: This variant is considered likely benign or benign based on one or more of the following criteria: it is a conservative change, it occurs at a poorly conserved position in the protein, it is predicted to be benign by multiple in silico algorithms, and/or has population frequency not consistent with disease.

Breakthrough Genomics
Classification: Benign. Review status: criteria provided, single submitter. Criteria: ACMG Guidelines, 2015. Collection method: not provided. Allele origin: germline. Inheritance: X-linked inheritance. Affected: yes.

NM_001159699.2(FHL1):c.549+64C>T

Gene: FHL1 (four and a half LIM domains 1; plus strand). Cytogenetic location: Xq26.3.
Variant type: single nucleotide variant.
Coding change: c.549+64C>T on transcript NM_001159699.2 (MANE Select); 64 bases into the intron after coding-DNA position 549, C replaced by T.
Molecular consequence: intron variant.
Genome position (GRCh38, 1-based): chrX:136,208,025, C>T. VCF-style: chrX-136208025-C-T. GRCh37 (hg19) VCF-style: chrX-135290184-C-T.
Other names: c.501+64C>T (NM_001159702.3, NM_001449.5, NM_001159703.2 and 9 more transcripts); c.588+64C>T (NM_001159701.2); c.549+64C>T (NM_001330659.2).
Identifiers: ClinVar variation 674491 (VCV000674491.2), dbSNP rs113303918, ClinGen allele CA336094991.
Genomic context (GRCh38, chrX:136,208,025, plus strand): 5'-TGCTTTCAAGGGAGTTCTGCATTGACCGTTGTTTCTAGAAGTGTTTGACAGTTTGCAGAG[C>T]ACTTCCACACACACTATCCCATTCCATCCTCACGACAGCCCTGTGACGTAGGAATTATTA-3'